The following is an entry in ClinVar:

NM_018834.6(MATR3):c.1498C>T (p.Leu500Phe)

Gene: MATR3 (matrin 3; plus strand). Cytogenetic location: 5q31.2.
Variant type: single nucleotide variant.
Coding change: c.1498C>T on transcript NM_018834.6 (MANE Select); coding-DNA position 1498, C replaced by T.
Protein change: p.Leu500Phe; replaces leucine 500 with phenylalanine.
Molecular consequence: missense variant.
Genome position (GRCh38, 1-based): chr5:139,319,397, C>T. VCF-style: chr5-139319397-C-T. GRCh37 (hg19) VCF-style: chr5-138655086-C-T.
Other names: c.1498C>T, p.Leu500Phe (NM_001194954.2, NM_001194955.2, NM_001400441.1 and 16 more transcripts); c.634C>T, p.Leu212Phe (NM_001194956.2); c.484C>T, p.Leu162Phe (NM_001282278.2, NM_001400460.1, NM_001400462.1 and 5 more transcripts); c.637C>T, p.Leu213Phe (NM_001400459.1); c.598C>T, p.Leu200Phe (NM_001400461.1); short protein forms L162F, L200F, L213F, L500F, L212F.
Identifiers: ClinVar variation 2846407 (VCV002846407.3), dbSNP rs2546836358, ClinGen allele CA361141397.
Genomic context (GRCh38, chr5:139,319,397, plus strand): 5'-CCTGAAGGAAAGCCAGATCAGAAGTTTGATCAAAAGCAAGAGCTTGGACGTGTGATACAT[C>T]TCAGCAATTTGCCGCATTCTGGCTATTCTGATAGTGCTGTTCTCAAGCTTGCTGAGCCTT-3'
Protein context (NP_061322.2, residues 490-510): QKQELGRVIH[Leu500Phe]SNLPHSGYSD

ClinVar aggregate classification (germline): Uncertain significance (1 of 4 stars; one submission).

Conditions:
Amyotrophic lateral sclerosis type 21. Also called: MYOPATHY, DISTAL, 2; VOCAL CORD AND PHARYNGEAL DYSFUNCTION WITH DISTAL MYOPATHY. Identifiers: Orphanet 600, Orphanet 803, MedGen C3807521, MONDO:0011632, OMIM 606070.

Submission:

Labcorp Genetics (formerly Invitae), Labcorp
Classification: Uncertain significance for Amyotrophic lateral sclerosis type 21. Last evaluated: 2023-03-17. Review status: criteria provided, single submitter. Criteria: Invitae Variant Classification Sherloc (09022015). Collection method: clinical testing. Allele origin: germline.
Comment: This sequence change replaces leucine, which is neutral and non-polar, with phenylalanine, which is neutral and non-polar, at codon 500 of the MATR3 protein (p.Leu500Phe). This variant is not present in population databases (gnomAD no frequency). This variant has not been reported in the literature in individuals affected with MATR3-related conditions. Advanced modeling of protein sequence and biophysical properties (such as structural, functional, and spatial information, amino acid conservation, physicochemical variation, residue mobility, and thermodynamic stability) performed at Invitae indicates that this missense variant is not expected to disrupt MATR3 protein function. In summary, the available evidence is currently insufficient to determine the role of this variant in disease. Therefore, it has been classified as a Variant of Uncertain Significance.